The following is an entry in ClinVar:

NM_000088.4(COL1A1):c.2937+9C>T

Gene: COL1A1 (collagen type I alpha 1 chain; minus strand). Cytogenetic location: 17q21.33.
Variant type: single nucleotide variant.
Coding change: c.2937+9C>T on transcript NM_000088.4 (MANE Select); 9 bases into the intron after coding-DNA position 2937, C replaced by T.
Molecular consequence: intron variant.
Genome position (GRCh38, 1-based): chr17:50,189,159, G>A on the plus strand (C>T on the coding strand, the complement: COL1A1 is on the minus strand). VCF-style: chr17-50189159-G-A. GRCh37 (hg19) VCF-style: chr17-48266520-G-A.
Identifiers: ClinVar variation 506977 (VCV000506977.5), dbSNP rs1555572393, ClinGen allele CA658798890.

ClinVar aggregate classification (germline): Likely benign. Review status: criteria provided, multiple submitters, no conflicts (2 of 4 stars). 3 submissions from 3 submitters: Likely benign (3). Last evaluated 2025-11-12.

Conditions:
Osteogenesis imperfecta type I (OI1). Also called: Classic Non-deforming Osteogenesis Imperfecta with Blue Sclerae; Osteogenesis imperfecta type 1; Lobstein disease; OI, TYPE I; OSTEOGENESIS IMPERFECTA TARDA; OSTEOGENESIS IMPERFECTA WITH BLUE SCLERAE. Identifiers: Orphanet 216796, Orphanet 666, MedGen C0023931, MONDO:0008146, OMIM 166200. Disease mechanism: loss of function.

Allele frequency attached by ClinVar (database versions not stated): TOPMed below 0.00001; gnomAD exomes 0.00002.
gnomAD v4.1: 25 of 1,612,908 alleles (0.0015%); highest among the groups gnomAD compares: Non-Finnish European, 0.002%; no homozygotes.

Submissions (3):

Women's Health and Genetics/Laboratory Corporation of America, LabCorp
Classification: Likely benign. Last evaluated: 2025-11-12. Review status: criteria provided, single submitter. Criteria: LabCorp Variant Classification Summary - May 2015. Collection method: clinical testing. Allele origin: germline.

Labcorp Genetics (formerly Invitae), Labcorp
Classification: Likely benign for Osteogenesis imperfecta type I. Last evaluated: 2025-04-02. Review status: criteria provided, single submitter. Criteria: Invitae Variant Classification Sherloc (09022015). Collection method: clinical testing. Allele origin: germline.

GeneDx
Classification: Likely benign. Last evaluated: 2017-01-24. Review status: criteria provided, single submitter. Criteria: GeneDx Variant Classification (06012015). Collection method: clinical testing. Allele origin: germline. Affected: yes.
Comment: This variant is considered likely benign or benign based on one or more of the following criteria: it is a conservative change, it occurs at a poorly conserved position in the protein, it is predicted to be benign by multiple in silico algorithms, and/or has population frequency not consistent with disease.